The following is an entry in ClinVar:

NM_024529.5(CDC73):c.733T>C (p.Phe245Leu)

Gene: CDC73 (cell division cycle 73; plus strand). Cytogenetic location: 1q31.2.
Variant type: single nucleotide variant.
Coding change: c.733T>C on transcript NM_024529.5 (MANE Select); coding-DNA position 733, T replaced by C.
Protein change: p.Phe245Leu; replaces phenylalanine 245 with leucine.
Molecular consequence: missense variant.
Genome position (GRCh38, 1-based): chr1:193,147,870, T>C. VCF-style: chr1-193147870-T-C. GRCh37 (hg19) VCF-style: chr1-193117000-T-C.
Other names: short protein forms F245L.
Identifiers: ClinVar variation 5033851 (VCV005033851.1).

ClinVar aggregate classification (germline): Uncertain significance (1 of 4 stars; one submission).

Conditions:
Hereditary cancer-predisposing syndrome. Also called: Neoplastic Syndromes, Hereditary; Tumor predisposition; Hereditary neoplastic syndrome; Hereditary Cancer Syndrome. Identifiers: Orphanet 140162, MedGen C0027672, MeSH D009386, MONDO:0015356.

Submission:

Ambry Genetics
Classification: Uncertain significance for Hereditary cancer-predisposing syndrome. Last evaluated: 2026-08-28. Review status: criteria provided, single submitter. Criteria: Ambry Variant Classification Scheme 2023. Collection method: clinical testing. Allele origin: germline.
Comment: The p.F245L variant (also known as c.733T>C), located in coding exon 8 of the CDC73 gene, results from a T to C substitution at nucleotide position 733. The phenylalanine at codon 245 is replaced by leucine, an amino acid with highly similar properties. This amino acid position is conserved. In addition, this alteration is predicted to be tolerated by in silico analysis. Based on the available evidence, the clinical significance of this variant remains unclear.